The following is an entry in ClinVar:

ClinVar aggregate classification (germline): Uncertain significance (1 of 4 stars; one submission).

gnomAD v4.1: 5 of 1,613,770 alleles (0.00031%); highest among the groups gnomAD compares: South Asian, 0.0055%; no homozygotes.

Submission:

Labcorp Genetics (formerly Invitae), Labcorp
Classification: Uncertain significance. Last evaluated: 2024-02-16. Review status: criteria provided, single submitter. Criteria: Invitae Variant Classification Sherloc (09022015). Collection method: clinical testing. Allele origin: germline.
Comment: This sequence change replaces valine, which is neutral and non-polar, with isoleucine, which is neutral and non-polar, at codon 102 of the CCT2 protein (p.Val102Ile). This variant is present in population databases (rs770121376, gnomAD 0.006%). This variant has not been reported in the literature in individuals affected with CCT2-related conditions. An algorithm developed to predict the effect of missense changes on protein structure and function (PolyPhen-2) suggests that this variant is likely to be tolerated. In summary, the available evidence is currently insufficient to determine the role of this variant in disease. Therefore, it has been classified as a Variant of Uncertain Significance.

NM_006431.3(CCT2):c.304G>A (p.Val102Ile)

Gene: CCT2 (chaperonin containing TCP1 subunit 2; plus strand). Cytogenetic location: 12q15.
Variant type: single nucleotide variant.
Coding change: c.304G>A on transcript NM_006431.3 (MANE Select); coding-DNA position 304, G replaced by A.
Protein change: p.Val102Ile; replaces valine 102 with isoleucine.
Molecular consequence: missense variant.
Genome position (GRCh38, 1-based): chr12:69,587,977, G>A. VCF-style: chr12-69587977-G-A. GRCh37 (hg19) VCF-style: chr12-69981757-G-A.
Other names: c.163G>A, p.Val55Ile (NM_001198842.2); short protein forms V102I, V55I.
Identifiers: ClinVar variation 3670032 (VCV003670032.2).